The following is an entry in ClinVar:

ClinVar aggregate classification (germline): Conflicting classifications of pathogenicity. Review status: criteria provided, conflicting classifications (1 of 4 stars). 4 submissions from 4 submitters: Uncertain significance (3); Likely benign (1). Last evaluated 2024-09-30.

Conditions:
Brown-Vialetto-van Laere syndrome 2. Also called: Riboflavin transporter deficiency type 2; SPINOCEREBELLAR ATAXIA WITH BLINDNESS AND DEAFNESS 2. Identifiers: Orphanet 572543, Orphanet 97229, MedGen C3553538, MONDO:0013867, OMIM 614707.
Inborn genetic diseases. Identifiers: MedGen C0950123, MeSH D030342.

Allele frequency attached by ClinVar (database versions not stated): TOPMed 0.00004; gnomAD exomes 0.00001; gnomAD 0.00004.

Submissions (4):

Ambry Genetics
Classification: Uncertain significance for Inborn genetic diseases. Last evaluated: 2024-09-30. Review status: criteria provided, single submitter. Criteria: Ambry Variant Classification Scheme 2023. Collection method: clinical testing. Allele origin: germline.

Blueprint Genetics
Classification: Likely benign. Last evaluated: 2023-04-28. Review status: criteria provided, single submitter. Criteria: ACMG Guidelines, 2015. Collection method: clinical testing. Allele origin: germline.

CeGaT Center for Human Genetics Tuebingen
Classification: Uncertain significance. Last evaluated: 2022-08-01. Review status: criteria provided, single submitter. Criteria: CeGaT Center For Human Genetics Tuebingen Variant Classification Criteria Version 2. Collection method: clinical testing. Allele origin: germline. Affected: yes. Observed: 1 variant allele.
Comment: SLC52A2: PM2:Supporting, BP4

Labcorp Genetics (formerly Invitae), Labcorp
Classification: Uncertain significance for Brown-Vialetto-van Laere syndrome 2. Last evaluated: 2022-07-11. Review status: criteria provided, single submitter. Criteria: Invitae Variant Classification Sherloc (09022015). Collection method: clinical testing. Allele origin: germline.
Comment: In summary, the available evidence is currently insufficient to determine the role of this variant in disease. Therefore, it has been classified as a Variant of Uncertain Significance. Advanced modeling of protein sequence and biophysical properties (such as structural, functional, and spatial information, amino acid conservation, physicochemical variation, residue mobility, and thermodynamic stability) performed at Invitae indicates that this missense variant is not expected to disrupt SLC52A2 protein function. ClinVar contains an entry for this variant (Variation ID: 1466381). This variant has not been reported in the literature in individuals affected with SLC52A2-related conditions. The frequency data for this variant in the population databases is considered unreliable, as metrics indicate poor data quality at this position in the gnomAD database. This sequence change replaces glycine, which is neutral and non-polar, with serine, which is neutral and polar, at codon 341 of the SLC52A2 protein (p.Gly341Ser).

NM_001363118.2(SLC52A2):c.1021G>A (p.Gly341Ser)

Gene: SLC52A2 (solute carrier family 52 member 2; plus strand). Cytogenetic location: 8q24.3.
Variant type: single nucleotide variant.
Coding change: c.1021G>A on transcript NM_001363118.2 (MANE Select); coding-DNA position 1021, G replaced by A.
Protein change: p.Gly341Ser; replaces glycine 341 with serine.
Molecular consequence: missense variant. On other transcripts: non-coding transcript variant (1).
Genome position (GRCh38, 1-based): chr8:144,360,609, G>A. VCF-style: chr8-144360609-G-A. GRCh37 (hg19) VCF-style: chr8-145584269-G-A.
Other names: c.1021G>A, p.Gly341Ser (NM_001253815.2, NM_001253816.2, NM_001363120.2 and 2 more transcripts); c.529G>A, p.Gly177Ser (NM_001363122.2); short protein forms G341S, G177S.
Identifiers: ClinVar variation 1466381 (VCV001466381.32), dbSNP rs1055759976, ClinGen allele CA187657684.